The following is an entry in ClinVar:

NM_006361.6(HOXB13):c.210C>G (p.Pro70=)

Gene: HOXB13 (homeobox B13; minus strand). Cytogenetic location: 17q21.32.
Variant type: single nucleotide variant.
Coding change: c.210C>G on transcript NM_006361.6 (MANE Select); coding-DNA position 210, C replaced by G.
Protein change: p.Pro70=; no amino-acid change (proline 70 retained).
Molecular consequence: synonymous variant.
Genome position (GRCh38, 1-based): chr17:48,728,384, G>C on the plus strand (C>G on the coding strand, the complement: HOXB13 is on the minus strand). VCF-style: chr17-48728384-G-C. GRCh37 (hg19) VCF-style: chr17-46805746-G-C.
Identifiers: ClinVar variation 2982078 (VCV002982078.5), dbSNP rs768670673, ClinGen allele CA500662018.

ClinVar aggregate classification (germline): Benign/Likely benign. Review status: criteria provided, multiple submitters, no conflicts (2 of 4 stars). 3 submissions from 3 submitters: Benign (1); Likely benign (2). Last evaluated 2026-01-28.

Conditions:
Prostate cancer, hereditary, 9 (HPC9). Identifiers: Orphanet 1331, MedGen C1970250, MONDO:0012597, OMIM 610997.
Hereditary cancer-predisposing syndrome. Also called: Tumor predisposition; Hereditary neoplastic syndrome; Hereditary Cancer Syndrome; Neoplastic Syndromes, Hereditary. Identifiers: Orphanet 140162, MedGen C0027672, MeSH D009386, MONDO:0015356.

gnomAD v4.1: 1 of 1,613,810 alleles (0.000062%); highest among the groups gnomAD compares: Non-Finnish European, 0.000085%; no homozygotes.

Submissions (3):

Labcorp Genetics (formerly Invitae), Labcorp
Classification: Likely benign. Last evaluated: 2026-01-28. Review status: criteria provided, single submitter. Criteria: Invitae Variant Classification Sherloc (09022015). Collection method: clinical testing. Allele origin: germline.

Myriad Genetics, Inc.
Classification: Benign for Prostate cancer, hereditary, 9. Last evaluated: 2024-10-29. Review status: criteria provided, single submitter. Criteria: Myriad Autosomal Dominant, Autosomal Recessive and X-Linked Classification Criteria (2023). Collection method: clinical testing. Allele origin: unknown.
Comment: This variant is considered benign. This variant is a silent/synonymous amino acid change and it is not expected to impact splicing.

Ambry Genetics
Classification: Likely benign for Hereditary cancer-predisposing syndrome. Last evaluated: 2024-06-09. Review status: criteria provided, single submitter. Criteria: Ambry Variant Classification Scheme 2023. Collection method: clinical testing. Allele origin: germline.